The following is an entry in ClinVar:

ClinVar aggregate classification (germline): Likely benign (1 of 4 stars; one submission).

Submission:

CeGaT Center for Human Genetics Tuebingen
Classification: Likely benign. Last evaluated: 2025-10-01. Review status: criteria provided, single submitter. Criteria: CeGaT Center For Human Genetics Tuebingen Variant Classification Criteria Version 2. Collection method: clinical testing. Allele origin: germline. Affected: yes. Observed: 1 variant allele.
Comment: WASHC1: PM2:Supporting, BP4, BP7

NM_001378090.1(WASHC1):c.1206G>C (p.Thr402=)

Gene: WASHC1 (WASH complex subunit 1; minus strand). Cytogenetic location: 9p24.3.
Variant type: single nucleotide variant.
Coding change: c.1206G>C on transcript NM_001378090.1 (MANE Select); coding-DNA position 1206, G replaced by C.
Protein change: p.Thr402=; no amino-acid change (threonine 402 retained).
Molecular consequence: synonymous variant.
Genome position (GRCh38, 1-based): chr9:15,139, C>G on the plus strand (G>C on the coding strand, the complement: WASHC1 is on the minus strand). VCF-style: chr9-15139-C-G. GRCh37 (hg19) VCF-style: chr9-15139-C-G.
Other names: c.1206G>C, p.Thr402= (NM_182905.6).
Identifiers: ClinVar variation 4535066 (VCV004535066.6).
Genomic context (GRCh38, chr9:15,139, plus strand): 5'-ACCCTTGCGCCTCATGACCAGCTTGTTGAAGAGATCCGACATCAAGTGCCCACCTTGGCT[C>G]GTGGCTCTCACTGCAACGGGAAAGCCACAGACTGGGGTGAAGAGTTCAGTCACATGCGAC-3'
Protein context (NP_001365019.1, residues 392-412): QQKEQEQVRA[Thr402=]SQGGHLMSDL